The following is an entry in ClinVar:

ClinVar aggregate classification (germline): Uncertain significance (1 of 4 stars; one submission).

Allele frequency attached by ClinVar (database versions not stated): gnomAD exomes below 0.00001; ExAC 0.00001.
gnomAD v4.1: 1 of 1,613,738 alleles (0.000062%); highest among the groups gnomAD compares: East Asian, 0.0022%; no homozygotes.

Submission:

Labcorp Genetics (formerly Invitae), Labcorp
Classification: Uncertain significance. Last evaluated: 2022-02-17. Review status: criteria provided, single submitter. Criteria: Invitae Variant Classification Sherloc (09022015). Collection method: clinical testing. Allele origin: germline.
Comment: This variant is present in population databases (rs749063724, gnomAD 0.01%). This variant has not been reported in the literature in individuals affected with DVL1-related conditions. Algorithms developed to predict the effect of missense changes on protein structure and function are either unavailable or do not agree on the potential impact of this missense change (SIFT: "Deleterious"; PolyPhen-2: "Possibly Damaging"; Align-GVGD: "Class C0"). In summary, the available evidence is currently insufficient to determine the role of this variant in disease. Therefore, it has been classified as a Variant of Uncertain Significance. This sequence change replaces leucine, which is neutral and non-polar, with valine, which is neutral and non-polar, at codon 262 of the DVL1 protein (p.Leu262Val).

NM_001330311.2(DVL1):c.784C>G (p.Leu262Val)

Gene: DVL1 (dishevelled segment polarity protein 1; minus strand). Cytogenetic location: 1p36.33.
Variant type: single nucleotide variant.
Coding change: c.784C>G on transcript NM_001330311.2 (MANE Select); coding-DNA position 784, C replaced by G.
Protein change: p.Leu262Val; replaces leucine 262 with valine.
Molecular consequence: missense variant.
Genome position (GRCh38, 1-based): chr1:1,340,163, G>C on the plus strand (C>G on the coding strand, the complement: DVL1 is on the minus strand). VCF-style: chr1-1340163-G-C. GRCh37 (hg19) VCF-style: chr1-1275543-G-C.
Other names: c.784C>G, p.Leu262Val (NM_004421.3); short protein forms L262V.
Identifiers: ClinVar variation 2095253 (VCV002095253.4), dbSNP rs749063724, ClinGen allele CA520411.